The following is an entry in ClinVar:

NM_014215.3(INSRR):c.3537C>T (p.Gly1179=)

Genes: INSRR (insulin receptor related receptor; minus strand), NTRK1 (neurotrophic receptor tyrosine kinase 1; plus strand). Cytogenetic location: 1q23.1.
Variant type: single nucleotide variant.
Coding change: c.3537C>T on transcript NM_014215.3 (MANE Select); coding-DNA position 3537, C replaced by T.
Protein change: p.Gly1179=; no amino-acid change (glycine 1179 retained).
Molecular consequence: synonymous variant. On other transcripts: intron variant (1).
Genome position (GRCh38, 1-based): chr1:156,841,519, G>A on the plus strand (C>T on the coding strand, the complement: INSRR is on the minus strand). VCF-style: chr1-156841519-G-A. GRCh37 (hg19) VCF-style: chr1-156811311-G-A.
Other names: c.10-562G>A (NM_001007792.1).
Identifiers: ClinVar variation 4084221 (VCV004084221.8).
Genomic context (GRCh38, chr1:156,841,519, plus strand): 5'-CTCATTGGACAGGCCCTGGTAGGGTTGTTCTGCCAGGGTCACAATCTCCCAGAGTACCAC[G>A]CCAAAGGACCTGGGGGCATGCAGGAGCTCCTGAGCCCAGCACCCTTCGTGCTACTCAGTG-3'
Protein context (NP_055030.1, residues 1169-1189): FTTHSDVWSF[Gly1179=]VVLWEIVTLA

ClinVar aggregate classification (germline): Likely benign (1 of 4 stars; one submission).

gnomAD v4.1: 724 of 1,613,966 alleles (0.045%); highest among the groups gnomAD compares: African/African-American, 0.9%; 4 homozygotes.

Submission:

CeGaT Center for Human Genetics Tuebingen
Classification: Likely benign. Last evaluated: 2025-07-01. Review status: criteria provided, single submitter. Criteria: CeGaT Center For Human Genetics Tuebingen Variant Classification Criteria Version 2. Collection method: clinical testing. Allele origin: germline. Affected: yes. Observed: 1 variant allele.
Comment: INSRR: BP4, BP7